The following is an entry in ClinVar:

NM_000518.4(HBB):c.275T>G (p.Leu92Arg)

Genes: HBB (hemoglobin subunit beta; minus strand), LOC106099062 (HBB recombination region; plus strand), LOC107133510 (origin of replication at HBB; plus strand). Cytogenetic location: 11p15.4.
Variant type: single nucleotide variant.
Coding change: c.275T>G on transcript NM_000518.4; coding-DNA position 275, T replaced by G.
Protein change: p.Leu92Arg; replaces leucine 92 with arginine.
Molecular consequence: missense variant (on NM_000518.5).
Genome position (GRCh38, 1-based): chr11:5,226,617, A>C on the plus strand (T>G on the coding strand, the complement: HBB is on the minus strand). VCF-style: chr11-5226617-A-C. GRCh37 (hg19) VCF-style: chr11-5247847-A-C.
Other names: L91R; c.275T>G, p.Leu92Arg (NM_000518.5); short protein forms L92R.
Identifiers: ClinVar variation 15131 (VCV000015131.10), dbSNP rs33917785, ClinGen allele CA124783.

ClinVar aggregate classification (germline): Uncertain significance. Review status: criteria provided, multiple submitters, no conflicts (2 of 4 stars). 3 submissions from 3 submitters: Uncertain significance (2). 1 of the submissions does not count toward it. Last evaluated 2021-10-05.

Conditions:
HEMOGLOBIN CARIBBEAN.

Allele frequency attached by ClinVar (database versions not stated): gnomAD exomes below 0.00001.
gnomAD v4.1: 1 of 1,614,148 alleles (0.000062%); highest among the groups gnomAD compares: African/African-American, 0.0013%; no homozygotes.

Submissions (3):

ARUP Laboratories, Molecular Genetics and Genomics, ARUP Laboratories
Classification: Uncertain significance. Last evaluated: 2021-10-05. Review status: criteria provided, single submitter. Criteria: ARUP Molecular Germline Variant Investigation Process 2021. Collection method: clinical testing. Allele origin: germline.
Comment: The Hb Caribbean variant (HBB: c.275T>G; p.Leu92Arg, also known as Leu91Arg when numbered from the mature protein, rs33917785), is reported in the literature in the heterozygous state or in combination with Hb S in individuals with mild anemia or normal hematology (see link to HbVar and references therein, Ahern 1976). In vitro functional analyses demonstrate a mildly unstable protein with decreased oxygen affinity (Ahern 1976). This variant is also reported in ClinVar (Variation ID: 15131), but is absent from the Genome Aggregation Database, indicating it is not a common polymorphism. The leucine at codon 92 is highly conserved, and computational analyses predict that this variant is deleterious (REVEL: 0.885). However, given the limited amount of clinical and functional data, the significance of the Hb Caribbean variant is uncertain at this time. References: Link to HbVar for Hb Caribbean: Ahern E et al. Haemoglobin caribbean beta91 (F7) Leu replaced by Arg: a mildly haemoglobin with a low oxygen affinity. FEBS Lett. 1976 Oct 15;69(1):99-102. PMID: 992050.

Quest Diagnostics Nichols Institute San Juan Capistrano
Classification: Uncertain significance. Last evaluated: 2019-09-30. Review status: criteria provided, single submitter. Criteria: Quest Diagnostics criteria. Collection method: clinical testing. Allele origin: unknown.

OMIM
Classification: other for HEMOGLOBIN CARIBBEAN. Last evaluated: 2017-12-12. Review status: no assertion criteria provided. Collection method: literature only. Allele origin: germline. Not counted in ClinVar's aggregate classification.

Literature cited by the submitters: PubMed 992050 (cited by Quest Diagnostics Nichols Institute San Juan Capistrano and OMIM); PubMed 7141876 (cited by Quest Diagnostics Nichols Institute San Juan Capistrano); PubMed 3384706 (cited by Quest Diagnostics Nichols Institute San Juan Capistrano and OMIM); PubMed 8042613 (cited by Quest Diagnostics Nichols Institute San Juan Capistrano).